The following is an entry in ClinVar:

NM_000017.4(ACADS):c.542G>A (p.Gly181Glu)

Gene: ACADS (acyl-CoA dehydrogenase short chain; plus strand). Cytogenetic location: 12q24.31.
Variant type: single nucleotide variant.
Coding change: c.542G>A on transcript NM_000017.4 (MANE Select); coding-DNA position 542, G replaced by A.
Protein change: p.Gly181Glu; replaces glycine 181 with glutamic acid.
Molecular consequence: missense variant. On other transcripts: intron variant (1).
Genome position (GRCh38, 1-based): chr12:120,737,906, G>A. VCF-style: chr12-120737906-G-A. GRCh37 (hg19) VCF-style: chr12-121175709-G-A.
Other names: c.473-143G>A (NM_001302554.2); short protein forms G181E.
Identifiers: ClinVar variation 1487361 (VCV001487361.8), dbSNP rs2136949225, ClinGen allele CA386614626.

ClinVar aggregate classification (germline): Uncertain significance (1 of 4 stars; one submission).

Conditions:
Deficiency of butyryl-CoA dehydrogenase (ACADSD). Also called: SCADH DEFICIENCY; ACYL-CoA DEHYDROGENASE, SHORT-CHAIN, DEFICIENCY OF; SCAD DEFICIENCY, MILD; SCAD Deficiency; ACADS DEFICIENCY; Short-Chain Acyl-CoA Dehydrogenase Deficiency. Identifiers: Orphanet 26792, MedGen C0342783, MONDO:0008722, OMIM 201470. Disease mechanism: May be benign.

Allele frequency attached by ClinVar (database versions not stated): gnomAD exomes below 0.00001.
gnomAD v4.1: 1 of 1,614,148 alleles (0.000062%); highest among the groups gnomAD compares: Non-Finnish European, 0.000085%; no homozygotes.

Submission:

Labcorp Genetics (formerly Invitae), Labcorp
Classification: Uncertain significance for Deficiency of butyryl-CoA dehydrogenase. Last evaluated: 2021-02-18. Review status: criteria provided, single submitter. Criteria: Invitae Variant Classification Sherloc (09022015). Collection method: clinical testing. Allele origin: germline.
Comment: In summary, the available evidence is currently insufficient to determine the role of this variant in disease. Therefore, it has been classified as a Variant of Uncertain Significance. Advanced modeling of protein sequence and biophysical properties (such as structural, functional, and spatial information, amino acid conservation, physicochemical variation, residue mobility, and thermodynamic stability) performed at Invitae indicates that this missense variant is expected to disrupt ACADS protein function. This variant has not been reported in the literature in individuals with ACADS-related conditions. This variant is not present in population databases (ExAC no frequency). This sequence change replaces glycine with glutamic acid at codon 181 of the ACADS protein (p.Gly181Glu). The glycine residue is highly conserved and there is a moderate physicochemical difference between glycine and glutamic acid.